The following is an entry in ClinVar:

ClinVar aggregate classification (germline): Uncertain significance (1 of 4 stars; one submission).

Submission:

Labcorp Genetics (formerly Invitae), Labcorp
Classification: Uncertain significance. Last evaluated: 2021-08-31. Review status: criteria provided, single submitter. Criteria: Invitae Variant Classification Sherloc (09022015). Collection method: clinical testing. Allele origin: germline.
Comment: In summary, the available evidence is currently insufficient to determine the role of this variant in disease. Therefore, it has been classified as a Variant of Uncertain Significance. This variant has not been reported in the literature in individuals affected with DIP2C-related conditions. This variant results in a copy number gain of the genomic region encompassing exon(s) 33-37 of the DIP2C gene. This region includes the termination codon of the gene. This copy number gain extends beyond the assayed region for this gene and therefore may encompass additional genes. As the precise location of this event is unknown, it may be in tandem or it may be located elsewhere in the genome.

NC_000010.10:g.(?_323265)_(334381_?)dup

Gene: DIP2C (disco interacting protein 2 homolog C; minus strand). Cytogenetic location: 10p15.3.
Variant type: Duplication.
Identifiers: ClinVar variation 1449299 (VCV001449299.4).